The following is an entry in ClinVar:

NM_004366.6(CLCN2):c.1244T>G (p.Leu415Arg)

Gene: CLCN2 (chloride voltage-gated channel 2; minus strand). Cytogenetic location: 3q27.1.
Variant type: single nucleotide variant.
Coding change: c.1244T>G on transcript NM_004366.6 (MANE Select); coding-DNA position 1244, T replaced by G.
Protein change: p.Leu415Arg; replaces leucine 415 with arginine.
Molecular consequence: missense variant.
Genome position (GRCh38, 1-based): chr3:184,355,456, A>C on the plus strand (T>G on the coding strand, the complement: CLCN2 is on the minus strand). VCF-style: chr3-184355456-A-C. GRCh37 (hg19) VCF-style: chr3-184073244-A-C.
Other names: c.1244T>G (NM_004366.4, NM_004366.5); c.1244T>G, p.Leu415Arg (NM_001171087.3, NM_001171089.3); c.1112T>G, p.Leu371Arg (NM_001171088.3); short protein forms L371R, L415R.
Identifiers: ClinVar variation 1599602 (VCV001599602.10), dbSNP rs200815093, ClinGen allele CA2734185.

ClinVar aggregate classification (germline): Conflicting classifications of pathogenicity. Review status: criteria provided, conflicting classifications (1 of 4 stars). 3 submissions from 3 submitters: Uncertain significance (1); Benign (1); Likely benign (1). Last evaluated 2025-12-03.

Conditions:
Inborn genetic diseases. Identifiers: MedGen C0950123, MeSH D030342.
CLCN2-related disorder. Also called: CLCN2-related disorders; CLCN2-related condition.

Allele frequency attached by ClinVar (database versions not stated): gnomAD 0.00008 and 0.00009; TOPMed 0.00011; ExAC 0.00013; ESP Exome Variant Server 0.00015; gnomAD exomes 0.00018.
gnomAD v4.1: 151 of 1,613,914 alleles (0.0094%); highest among the groups gnomAD compares: Non-Finnish European, 0.0013%; no homozygotes.

Submissions (3):

Labcorp Genetics (formerly Invitae), Labcorp
Classification: Benign. Last evaluated: 2025-12-03. Review status: criteria provided, single submitter. Criteria: Invitae Variant Classification Sherloc (09022015). Collection method: clinical testing. Allele origin: germline.

PreventionGenetics, part of Exact Sciences
Classification: Likely benign for CLCN2-related condition. Last evaluated: 2024-12-20. Review status: criteria provided, single submitter. Criteria: ACMG Guidelines, 2015. Collection method: clinical testing. Allele origin: germline.
Comment: This variant is classified as likely benign based on ACMG/AMP sequence variant interpretation guidelines (Richards et al. 2015 PMID: 25741868, with internal and published modifications).

Ambry Genetics
Classification: Uncertain significance for Inborn genetic diseases. Last evaluated: 2022-12-16. Review status: criteria provided, single submitter. Criteria: Ambry Variant Classification Scheme 2023. Collection method: clinical testing. Allele origin: germline.